The following is an entry in ClinVar:

ClinVar aggregate classification (germline): Likely benign. Review status: reviewed by expert panel (3 of 4 stars). 4 submissions from 4 submitters: Likely benign (1). 3 of the submissions do not count toward it. Last evaluated 2024-05-03.

Conditions:
Primary pulmonary hypertension. Also called: Idiopathic pulmonary hypertension. Identifiers: MedGen C0152171.
Inborn genetic diseases. Identifiers: MedGen C0950123, MeSH D030342.
Pulmonary arterial hypertension. Identifiers: Orphanet 182090, MedGen C2973725, MeSH D000081029, MONDO:0015924, HP:0002092.

Allele frequency attached by ClinVar (database versions not stated): gnomAD exomes 0.00021 and 0.00022; gnomAD 0.00005 and 0.00006; TOPMed 0.00006; ExAC 0.00033.
gnomAD v4.1: 331 of 1,613,976 alleles (0.021%); highest among the groups gnomAD compares: Non-Finnish European, 0.027%; no homozygotes.

Submissions (4):

Clingen Pulmonary Hypertension Variant Curation Expert Panel, ClinGen
Classification: Likely benign for Pulmonary arterial hypertension. Last evaluated: 2024-05-03. Review status: reviewed by expert panel. Criteria: ClinGen PH ACMG Specifications BMPR2 V1.1.0. Collection method: curation. Allele origin: germline. Inheritance: Autosomal dominant inheritance.
Comment: The NM_001204.7(BMPR2) c.2186G>C variant is a missense variant predicted to cause substitution of glycine by alanine at amino acid 729 (p.Gly729Ala). The highest population minor allele frequency in gnomAD v2.1.1 (controls) is 0.001639 (21/12810 alleles) in Swedish population, which is higher than the ClinGen PH VCEP threshold (>0.1%) for BS1, and therefore meets this criterion (BS1). The computational predictor REVEL gives a score of 0.36, which is neither above nor below the thresholds predicting a damaging or benign impact on BMPR2 function. In summary, this variant meets the criteria to be classified as likely benign for pulmonary arterial hypertension based on the ACMG/AMP criteria applied, as specified by the ClinGen Pulmonary Hypertension VCEP: BS1. (VCEP specifications version 1.1, 1/18/2024)

Labcorp Genetics (formerly Invitae), Labcorp
Classification: Likely benign for Primary pulmonary hypertension. Last evaluated: 2026-01-25. Review status: criteria provided, single submitter. Criteria: Invitae Variant Classification Sherloc (09022015). Collection method: clinical testing. Allele origin: germline. Not counted in ClinVar's aggregate classification.

Ambry Genetics
Classification: Uncertain significance for Inborn genetic diseases. Last evaluated: 2024-10-15. Review status: criteria provided, single submitter. Criteria: Ambry Variant Classification Scheme 2023. Collection method: clinical testing. Allele origin: germline. Not counted in ClinVar's aggregate classification.
Comment: The p.G729A variant (also known as c.2186G>C), located in coding exon 12 of the BMPR2 gene, results from a G to C substitution at nucleotide position 2186. The glycine at codon 729 is replaced by alanine, an amino acid with similar properties. This amino acid position is conserved. In addition, the in silico prediction for this alteration is inconclusive. Based on the available evidence, the clinical significance of this variant remains unclear.

ARUP Laboratories, Molecular Genetics and Genomics, ARUP Laboratories
Classification: Uncertain significance. Last evaluated: 2019-11-13. Review status: criteria provided, single submitter. Criteria: ARUP Molecular Germline Variant Investigation Process. Collection method: clinical testing. Allele origin: germline. Not counted in ClinVar's aggregate classification.
Comment: The BMPR2 c.2186G>C; p.Gly729Ala variant (rs201816099), to our knowledge, is not reported in the medical literature or gene-specific databases. This variant is found in the non-Finnish European population with an overall allele frequency of 0.04% (53/129082 alleles) in the Genome Aggregation Database. The glycine at codon 729 is highly conserved, but computational analyses (SIFT: damaging, PolyPhen-2: benign) predict conflicting effects of this variant on protein structure/function. Due to limited information, the clinical significance of the p.Gly729Ala variant is uncertain at this time.

NM_001204.7(BMPR2):c.2186G>C (p.Gly729Ala)

Gene: BMPR2 (bone morphogenetic protein receptor type 2; plus strand). Cytogenetic location: 2q33.2.
Variant type: single nucleotide variant.
Coding change: c.2186G>C on transcript NM_001204.7 (MANE Select); coding-DNA position 2186, G replaced by C.
Protein change: p.Gly729Ala; replaces glycine 729 with alanine.
Molecular consequence: missense variant.
Genome position (GRCh38, 1-based): chr2:202,555,851, G>C. VCF-style: chr2-202555851-G-C. GRCh37 (hg19) VCF-style: chr2-203420574-G-C.
Other names: NM_001204.7(BMPR2):c.2186G>C; p.Gly729Ala; c.2186G>C (NM_001204.6); short protein forms G729A.
Identifiers: ClinVar variation 993809 (VCV000993809.20), dbSNP rs201816099, ClinGen allele CA2061499.